The following is an entry in ClinVar:

NM_001009944.3(PKD1):c.3425G>A (p.Arg1142Gln)

Gene: PKD1 (polycystin 1, transient receptor potential channel interacting; minus strand). Cytogenetic location: 16p13.3.
Variant type: single nucleotide variant.
Coding change: c.3425G>A on transcript NM_001009944.3 (MANE Select); coding-DNA position 3425, G replaced by A.
Protein change: p.Arg1142Gln; replaces arginine 1142 with glutamine.
Molecular consequence: missense variant.
Genome position (GRCh38, 1-based): chr16:2,111,742, C>T on the plus strand (G>A on the coding strand, the complement: PKD1 is on the minus strand). VCF-style: chr16-2111742-C-T. GRCh37 (hg19) VCF-style: chr16-2161743-C-T.
Other names: c.3425G>A, p.Arg1142Gln (NM_000296.4); c.3425G>A (NM_000296.3); short protein forms R1142Q.
Identifiers: ClinVar variation 3340657 (VCV003340657.3).

ClinVar aggregate classification (germline): Conflicting classifications of pathogenicity. Review status: criteria provided, conflicting classifications (1 of 4 stars). 3 submissions from 3 submitters: Uncertain significance (2); Likely benign (1). Last evaluated 2025-10-22.

Conditions:
Polycystic kidney disease, adult type (PKD1). Also called: Polycystic Kidney, Autosomal Dominant; POLYCYSTIC KIDNEY DISEASE 1 WITH OR WITHOUT POLYCYSTIC LIVER DISEASE; POLYCYSTIC KIDNEY DISEASE, ADULT, TYPE I; Polycystic Kidney Disease 1, Autosomal Dominant; Polycystic kidney disease 1; Polycystic kidney disease 1, severe. Identifiers: MedGen C3149841, MONDO:0008263, OMIM 173900.
Inborn genetic diseases. Identifiers: MedGen C0950123, MeSH D030342.

gnomAD v4.1: 76 of 1,599,360 alleles (0.0048%); highest among the groups gnomAD compares: Non-Finnish European, 0.0063%; no homozygotes.

Submissions (3):

Ambry Genetics
Classification: Likely benign for Inborn genetic diseases. Last evaluated: 2025-10-22. Review status: criteria provided, single submitter. Criteria: Ambry Variant Classification Scheme 2023. Collection method: clinical testing. Allele origin: germline.

GeneDx
Classification: Uncertain significance. Last evaluated: 2024-03-05. Review status: criteria provided, single submitter. Criteria: GeneDx Variant Classification Process June 2021. Collection method: clinical testing. Allele origin: germline. Affected: yes.
Comment: In silico analysis supports that this missense variant does not alter protein structure/function; Has not been previously published as pathogenic or benign to our knowledge

Department of Pathology and Laboratory Medicine, Sinai Health System
Classification: Uncertain significance for Polycystic kidney disease, adult type. Last evaluated: 2019-01-07. Review status: criteria provided, single submitter. Criteria: ACMG Guidelines, 2015. Collection method: clinical testing. Allele origin: germline. Affected: yes.